The following is an entry in ClinVar:

NM_017617.5(NOTCH1):c.7238C>T (p.Pro2413Leu)

Gene: NOTCH1 (notch receptor 1; minus strand). Cytogenetic location: 9q34.3.
Variant type: single nucleotide variant.
Coding change: c.7238C>T on transcript NM_017617.5 (MANE Select); coding-DNA position 7238, C replaced by T.
Protein change: p.Pro2413Leu; replaces proline 2413 with leucine.
Molecular consequence: missense variant.
Genome position (GRCh38, 1-based): chr9:136,496,501, G>A on the plus strand (C>T on the coding strand, the complement: NOTCH1 is on the minus strand). VCF-style: chr9-136496501-G-A. GRCh37 (hg19) VCF-style: chr9-139390953-G-A.
Other names: short protein forms P2413L.
Identifiers: ClinVar variation 852026 (VCV000852026.10), dbSNP rs1842916834, ClinGen allele CA375627577.

ClinVar aggregate classification (germline): Uncertain significance. Review status: criteria provided, multiple submitters, no conflicts (2 of 4 stars). 2 submissions from 2 submitters: Uncertain significance (2). Last evaluated 2025-10-26.

Conditions:
Adams-Oliver syndrome 5 (AOS5). Identifiers: Orphanet 974, MedGen C4014970, MONDO:0014459, OMIM 616028.
Familial thoracic aortic aneurysm and aortic dissection (TAAD). Also called: Thoracic aortic aneurysms and dissections. Identifiers: Orphanet 91387, MedGen C4707243, MONDO:0019625.

Allele frequency attached by ClinVar (database versions not stated): gnomAD exomes below 0.00001; TOPMed below 0.00001; gnomAD 0.00001.
gnomAD v4.1: 5 of 1,602,420 alleles (0.00031%); highest among the groups gnomAD compares: Non-Finnish European, 0.00042%; no homozygotes.

Submissions (2):

Ambry Genetics
Classification: Uncertain significance for Familial thoracic aortic aneurysm and aortic dissection. Last evaluated: 2025-10-26. Review status: criteria provided, single submitter. Criteria: Ambry Variant Classification Scheme 2023. Collection method: clinical testing. Allele origin: germline.
Comment: The p.P2413L variant (also known as c.7238C>T), located in coding exon 34 of the NOTCH1 gene, results from a C to T substitution at nucleotide position 7238. The proline at codon 2413 is replaced by leucine, an amino acid with similar properties. This amino acid position is conserved. In addition, this alteration is predicted to be tolerated by in silico analysis. Based on the available evidence, the clinical significance of this variant remains unclear.

Labcorp Genetics (formerly Invitae), Labcorp
Classification: Uncertain significance for Adams-Oliver syndrome 5. Last evaluated: 2025-05-19. Review status: criteria provided, single submitter. Criteria: Invitae Variant Classification Sherloc (09022015). Collection method: clinical testing. Allele origin: germline.
Comment: This sequence change replaces proline, which is neutral and non-polar, with leucine, which is neutral and non-polar, at codon 2413 of the NOTCH1 protein (p.Pro2413Leu). This variant is not present in population databases (gnomAD no frequency). This variant has not been reported in the literature in individuals affected with NOTCH1-related conditions. ClinVar contains an entry for this variant (Variation ID: 852026). Invitae Evidence Modeling of protein sequence and biophysical properties (such as structural, functional, and spatial information, amino acid conservation, physicochemical variation, residue mobility, and thermodynamic stability) indicates that this missense variant is not expected to disrupt NOTCH1 protein function with a negative predictive value of 95%. In summary, the available evidence is currently insufficient to determine the role of this variant in disease. Therefore, it has been classified as a Variant of Uncertain Significance.